The following is an entry in ClinVar:

ClinVar aggregate classification (germline): Conflicting classifications of pathogenicity. Review status: criteria provided, conflicting classifications (1 of 4 stars). 4 submissions from 4 submitters: Likely pathogenic (1); Uncertain significance (3). Last evaluated 2025-10-16.

Conditions:
Bloom syndrome (BLM). Also called: Bloom-Torre-Machacek syndrome. Identifiers: Orphanet 125, MedGen C0005859, MONDO:0008876, OMIM 210900.
Hereditary cancer-predisposing syndrome. Also called: Hereditary Cancer Syndrome; Neoplastic Syndromes, Hereditary; Tumor predisposition; Hereditary neoplastic syndrome. Identifiers: Orphanet 140162, MedGen C0027672, MeSH D009386, MONDO:0015356.

Allele frequency attached by ClinVar (database versions not stated): gnomAD exomes below 0.00001 and 0.00001; ExAC 0.00001; gnomAD 0.00001; TOPMed 0.00002; ESP Exome Variant Server 0.00008.
gnomAD v4.1: 3 of 1,613,876 alleles (0.00019%); highest among the groups gnomAD compares: African/African-American, 0.004%; no homozygotes.

Submissions (4):

Ambry Genetics
Classification: Uncertain significance for Hereditary cancer-predisposing syndrome. Last evaluated: 2025-10-16. Review status: criteria provided, single submitter. Criteria: Ambry Variant Classification Scheme 2023. Collection method: clinical testing. Allele origin: germline.
Comment: The p.W803R variant (also known as c.2407T>C), located in coding exon 11 of the BLM gene, results from a T to C substitution at nucleotide position 2407. This variant impacts the first base pair of coding exon 11. The tryptophan at codon 803 is replaced by arginine, an amino acid with dissimilar properties. This change occurs in the first base pair of coding exon 11. Functional studies performed in yeast showed increased sensitivity to DNA damaging agents comparable to that of known BLM mutations (Mirzaei H et al. Proc. Natl. Acad. Sci. U.S.A. 2012 Nov;109:19357-62; Shastri VM et al. Mol Genet Genomic Med. 2016 Jan;4:106-19). This amino acid position is highly conserved in available vertebrate species. In addition, this alteration is predicted to be deleterious by in silico analysis. Since supporting evidence is limited at this time, the clinical significance of this alteration remains unclear.

Labcorp Genetics (formerly Invitae), Labcorp
Classification: Uncertain significance for Bloom syndrome. Last evaluated: 2024-11-26. Review status: criteria provided, single submitter. Criteria: Invitae Variant Classification Sherloc (09022015). Collection method: clinical testing. Allele origin: germline.
Comment: This sequence change replaces tryptophan, which is neutral and slightly polar, with arginine, which is basic and polar, at codon 803 of the BLM protein (p.Trp803Arg). This variant is present in population databases (rs148394770, gnomAD 0.01%). This variant has not been reported in the literature in individuals affected with BLM-related conditions. ClinVar contains an entry for this variant (Variation ID: 1021353). An algorithm developed to predict the effect of missense changes on protein structure and function (PolyPhen-2) suggests that this variant is likely to be disruptive. Experimental studies have shown that this missense change affects BLM function (PMID: 23129629, 26788541). In summary, the available evidence is currently insufficient to determine the role of this variant in disease. Therefore, it has been classified as a Variant of Uncertain Significance.

Women's Health and Genetics/Laboratory Corporation of America, LabCorp
Classification: Uncertain significance. Last evaluated: 2024-05-22. Review status: criteria provided, single submitter. Criteria: LabCorp Variant Classification Summary - May 2015. Collection method: clinical testing. Allele origin: germline.
Comment: Variant summary: BLM c.2407T>C (p.Trp803Arg) results in a non-conservative amino acid change located in the DEAD/DEAH box helicase domain (IPR011545) and Helicase superfamily 1/2, ATP-binding domain (IPR014001) of the encoded protein sequence. Five of five in-silico tools predict a damaging effect of the variant on protein function. Consensus agreement among computation tools predict no significant impact on normal splicing. However, these predictions have yet to be confirmed by functional studies. The variant allele was found at a frequency of 8e-06 in 251416 control chromosomes. To our knowledge, no occurrence of c.2407T>C in individuals affected with Bloom Syndrome has been reported. Two studies from the same group reported a severe susceptibility to DNA-damaging agents in vitro in both chimeric S. cerevisiae strains and human Bloom syndrome (blm-Ash background) fibroblast cell lines (example, Mirzaei_2012, Shastri_2016). The following publications have been ascertained in the context of this evaluation (PMID: 23129629, 26788541). ClinVar contains an entry for this variant (Variation ID: 1021353). Based on the evidence outlined above, the variant was classified as VUS-possibly pathogenic.

Baylor Genetics
Classification: Likely pathogenic for Bloom syndrome. Last evaluated: 2024-02-26. Review status: criteria provided, single submitter. Criteria: ACMG Guidelines, 2015. Collection method: clinical testing. Allele origin: unknown.

Literature cited by the submitters: PubMed 23129629 (cited by 3 submitters); PubMed 26788541 (cited by 3 submitters).

NM_000057.4(BLM):c.2407T>C (p.Trp803Arg)

Gene: BLM (BLM RecQ like helicase; plus strand). Cytogenetic location: 15q26.1.
Variant type: single nucleotide variant.
Coding change: c.2407T>C on transcript NM_000057.4 (MANE Select); coding-DNA position 2407, T replaced by C.
Protein change: p.Trp803Arg; replaces tryptophan 803 with arginine.
Molecular consequence: missense variant.
Genome position (GRCh38, 1-based): chr15:90,769,438, T>C. VCF-style: chr15-90769438-T-C. GRCh37 (hg19) VCF-style: chr15-91312668-T-C.
Other names: c.2407T>C, p.Trp803Arg (NM_001287246.2, NM_001287247.2); c.1282T>C, p.Trp428Arg (NM_001287248.2); short protein forms W428R, W803R.
Identifiers: ClinVar variation 1021353 (VCV001021353.14), dbSNP rs148394770, ClinGen allele CA7738769.